The following is an entry in ClinVar:

ClinVar aggregate classification (germline): Uncertain significance. Review status: criteria provided, multiple submitters, no conflicts (2 of 4 stars). 2 submissions from 2 submitters: Uncertain significance (2). Last evaluated 2024-09-15.

Conditions:
Oligodontia-cancer predisposition syndrome. Also called: TOOTH AGENESIS-COLORECTAL CANCER SYNDROME. Identifiers: Orphanet 300576, MedGen C1837750, MONDO:0012075, OMIM 608615. Disease mechanism: loss of function.
Hereditary cancer-predisposing syndrome. Also called: Tumor predisposition; Neoplastic Syndromes, Hereditary; Hereditary neoplastic syndrome; Hereditary Cancer Syndrome. Identifiers: Orphanet 140162, MedGen C0027672, MeSH D009386, MONDO:0015356.

Submissions (2):

Labcorp Genetics (formerly Invitae), Labcorp
Classification: Uncertain significance for Oligodontia-cancer predisposition syndrome. Last evaluated: 2024-09-15. Review status: criteria provided, single submitter. Criteria: Invitae Variant Classification Sherloc (09022015). Collection method: clinical testing. Allele origin: germline.
Comment: This sequence change replaces methionine, which is neutral and non-polar, with leucine, which is neutral and non-polar, at codon 182 of the AXIN2 protein (p.Met182Leu). This variant is not present in population databases (gnomAD no frequency). This variant has not been reported in the literature in individuals affected with AXIN2-related conditions. Invitae Evidence Modeling of protein sequence and biophysical properties (such as structural, functional, and spatial information, amino acid conservation, physicochemical variation, residue mobility, and thermodynamic stability) indicates that this missense variant is not expected to disrupt AXIN2 protein function with a negative predictive value of 80%. In summary, the available evidence is currently insufficient to determine the role of this variant in disease. Therefore, it has been classified as a Variant of Uncertain Significance.

Ambry Genetics
Classification: Uncertain significance for Hereditary cancer-predisposing syndrome. Last evaluated: 2024-07-13. Review status: criteria provided, single submitter. Criteria: Ambry Variant Classification Scheme 2023. Collection method: clinical testing. Allele origin: germline.
Comment: The p.M182L variant (also known as c.544A>T), located in coding exon 1 of the AXIN2 gene, results from an A to T substitution at nucleotide position 544. The methionine at codon 182 is replaced by leucine, an amino acid with highly similar properties. This amino acid position is conserved. In addition, the in silico prediction for this alteration is inconclusive. Based on the available evidence, the clinical significance of this variant remains unclear.

NM_004655.4(AXIN2):c.544A>T (p.Met182Leu)

Gene: AXIN2 (axin 2; minus strand). Cytogenetic location: 17q24.1.
Variant type: single nucleotide variant.
Coding change: c.544A>T on transcript NM_004655.4 (MANE Select); coding-DNA position 544, A replaced by T.
Protein change: p.Met182Leu; replaces methionine 182 with leucine.
Molecular consequence: missense variant.
Genome position (GRCh38, 1-based): chr17:65,558,077, T>A on the plus strand (A>T on the coding strand, the complement: AXIN2 is on the minus strand). VCF-style: chr17-65558077-T-A. GRCh37 (hg19) VCF-style: chr17-63554195-T-A.
Other names: c.544A>T, p.Met182Leu (NM_001363813.1); short protein forms M182L.
Identifiers: ClinVar variation 3469135 (VCV003469135.3).